The following is an entry in ClinVar:

ClinVar aggregate classification (germline): Uncertain significance. Review status: criteria provided, multiple submitters, no conflicts (2 of 4 stars). 2 submissions from 2 submitters: Uncertain significance (2). Last evaluated 2022-09-01.

Conditions:
Xeroderma pigmentosum, group D (XPD). Also called: ERCC2-Related Xeroderma Pigmentosum; XERODERMA PIGMENTOSUM, COMPLEMENTATION GROUP D; XERODERMA PIGMENTOSUM IV; XP, GROUP D; XP, GROUP H. Identifiers: MedGen C0268138, MONDO:0010212, OMIM 278730.

Allele frequency attached by ClinVar (database versions not stated): gnomAD exomes 0.00005 and 0.00013; gnomAD 0.00008 and 0.00009; TOPMed 0.00011; ExAC 0.00013; 1000 Genomes Project 30x 0.00047; 1000 Genomes Project 0.00060.
gnomAD v4.1: 82 of 1,613,978 alleles (0.0051%); highest among the groups gnomAD compares: East Asian, 0.098%; no homozygotes.

Submissions (2):

Labcorp Genetics (formerly Invitae), Labcorp
Classification: Uncertain significance. Last evaluated: 2022-09-01. Review status: criteria provided, single submitter. Criteria: Invitae Variant Classification Sherloc (09022015). Collection method: clinical testing. Allele origin: germline.
Comment: This sequence change replaces valine, which is neutral and non-polar, with methionine, which is neutral and non-polar, at codon 231 of the ERCC2 protein (p.Val231Met). This variant is present in population databases (rs200895828, gnomAD 0.2%). This variant has not been reported in the literature in individuals affected with ERCC2-related conditions. ClinVar contains an entry for this variant (Variation ID: 329526). Algorithms developed to predict the effect of missense changes on protein structure and function are either unavailable or do not agree on the potential impact of this missense change (SIFT: "Deleterious"; PolyPhen-2: "Probably Damaging"; Align-GVGD: "Class C0"). In summary, the available evidence is currently insufficient to determine the role of this variant in disease. Therefore, it has been classified as a Variant of Uncertain Significance.

Illumina Laboratory Services, Illumina
Classification: Uncertain significance for Xeroderma pigmentosum, group D. Last evaluated: 2018-01-12. Review status: criteria provided, single submitter. Criteria: ICSL Variant Classification Criteria 13 December 2019. Collection method: clinical testing. Allele origin: germline.

NM_000400.4(ERCC2):c.691G>A (p.Val231Met)

Gene: ERCC2 (ERCC excision repair 2, TFIIH core complex helicase subunit; minus strand). Cytogenetic location: 19q13.32.
Variant type: single nucleotide variant.
Coding change: c.691G>A on transcript NM_000400.4 (MANE Select); coding-DNA position 691, G replaced by A.
Protein change: p.Val231Met; replaces valine 231 with methionine.
Molecular consequence: missense variant.
Genome position (GRCh38, 1-based): chr19:45,364,451, C>T on the plus strand (G>A on the coding strand, the complement: ERCC2 is on the minus strand). VCF-style: chr19-45364451-C-T. GRCh37 (hg19) VCF-style: chr19-45867709-C-T.
Other names: c.619G>A, p.Val207Met (NM_001130867.2); short protein forms V231M, V207M.
Identifiers: ClinVar variation 329526 (VCV000329526.9), dbSNP rs200895828, ClinGen allele CA9513681.